The following is an entry in ClinVar:

NM_004366.6(CLCN2):c.2252G>A (p.Arg751His)

Gene: CLCN2 (chloride voltage-gated channel 2; minus strand). Cytogenetic location: 3q27.1.
Variant type: single nucleotide variant.
Coding change: c.2252G>A on transcript NM_004366.6 (MANE Select); coding-DNA position 2252, G replaced by A.
Protein change: p.Arg751His; replaces arginine 751 with histidine.
Molecular consequence: missense variant.
Genome position (GRCh38, 1-based): chr3:184,352,462, C>T on the plus strand (G>A on the coding strand, the complement: CLCN2 is on the minus strand). VCF-style: chr3-184352462-C-T. GRCh37 (hg19) VCF-style: chr3-184070250-C-T.
Other names: c.2201G>A, p.Arg734His (NM_001171087.3); c.2120G>A, p.Arg707His (NM_001171088.3); c.2252G>A, p.Arg751His (NM_001171089.3); short protein forms R707H, R734H, R751H.
Identifiers: ClinVar variation 4741151 (VCV004741151.1).

ClinVar aggregate classification (germline): Uncertain significance (1 of 4 stars; one submission).

gnomAD v4.1: 15 of 1,613,318 alleles (0.00093%); highest among the groups gnomAD compares: South Asian, 0.0077%; no homozygotes.

Submission:

Labcorp Genetics (formerly Invitae), Labcorp
Classification: Uncertain significance. Last evaluated: 2025-10-17. Review status: criteria provided, single submitter. Criteria: Invitae Variant Classification Sherloc (09022015). Collection method: clinical testing. Allele origin: germline.
Comment: This sequence change replaces arginine, which is basic and polar, with histidine, which is basic and polar, at codon 751 of the CLCN2 protein (p.Arg751His). This variant is present in population databases (rs377416264, gnomAD 0.01%). This variant has not been reported in the literature in individuals affected with CLCN2-related conditions. Invitae Evidence Modeling of protein sequence and biophysical properties (such as structural, functional, and spatial information, amino acid conservation, physicochemical variation, residue mobility, and thermodynamic stability) indicates that this missense variant is not expected to disrupt CLCN2 protein function with a negative predictive value of 80%. In summary, the available evidence is currently insufficient to determine the role of this variant in disease. Therefore, it has been classified as a Variant of Uncertain Significance.